The following is an entry in ClinVar:

NM_000255.4(MMUT):c.1275G>A (p.Trp425Ter)

Gene: MMUT (methylmalonyl-CoA mutase; minus strand). Cytogenetic location: 6p12.3.
Variant type: single nucleotide variant.
Coding change: c.1275G>A on transcript NM_000255.4 (MANE Select); coding-DNA position 1275, G replaced by A.
Protein change: p.Trp425Ter; replaces tryptophan 425 with a stop codon.
Molecular consequence: nonsense.
Genome position (GRCh38, 1-based): chr6:49,451,523, C>T on the plus strand (G>A on the coding strand, the complement: MMUT is on the minus strand). VCF-style: chr6-49451523-C-T. GRCh37 (hg19) VCF-style: chr6-49419236-C-T.
Other names: short protein forms W425*.
Identifiers: ClinVar variation 4058070 (VCV004058070.2).

ClinVar aggregate classification (germline): Likely pathogenic (1 of 4 stars; one submission).

Conditions:
Methylmalonic aciduria due to complete methylmalonyl-CoA mutase deficiency.

Submission:

Natera, Inc.
Classification: Likely pathogenic for Methylmalonic aciduria due to complete methylmalonyl-CoA mutase deficiency. Last evaluated: 2025-05-21. Review status: criteria provided, single submitter. Criteria: Natera Variant Classification Schema (03/2026). Collection method: clinical testing. Allele origin: germline.
Comment: The c.1275G>A variant in MMUT is a nonsense variant predicted to introduce a stop codon at amino acid 425. This variant is expected to result in nonsense mediated decay, truncation, or a dysfunctional protein product. This variant is rare in the general population with a frequency below the threshold expected for the associated phenotype(s). Given the available evidence, this variant is classified as Likely Pathogenic.